The following is an entry in ClinVar:

NM_005262.2(GFER):c.-75C>G

Genes: GFER (growth factor, augmenter of liver regeneration; plus strand), LOC130058203 (ATAC-STARR-seq lymphoblastoid silent region 7014; plus strand). Cytogenetic location: 16p13.3.
Variant type: single nucleotide variant.
Coding change: c.-75C>G on transcript NM_005262.2; 75 bases upstream of the start codon, C replaced by G.
Genome position (GRCh38, 1-based): chr16:1,984,144, C>G. VCF-style: chr16-1984144-C-G. GRCh37 (hg19) VCF-style: chr16-2034145-C-G.
Identifiers: ClinVar variation 673651 (VCV000673651.4), dbSNP rs566466090, ClinGen allele CA276772808.
Genomic context (GRCh38, chr16:1,984,144, plus strand): 5'-CCCAGCCCCGGCTCGGGCCCGGCCCCCGCGAGCACGGCGCGCGCCTCCGGCTCCTGTGGC[C>G]GCGCGCTGGCCTGGAGGCTGACCTGGAGGCTCATCTGGAGGCCGAGCTGACCCGGCAGGC-3'

ClinVar aggregate classification (germline): Likely benign. Review status: criteria provided, multiple submitters, no conflicts (2 of 4 stars). 2 submissions from 2 submitters: Likely benign (2). Last evaluated 2018-06-16.

Allele frequency attached by ClinVar (database versions not stated): 1000 Genomes Project 0.00419; TOPMed 0.00904; 1000 Genomes Project 30x 0.00437.

Submissions (2):

GeneDx
Classification: Likely benign. Last evaluated: 2018-06-16. Review status: criteria provided, single submitter. Criteria: GeneDx Variant Classification (06012015). Collection method: clinical testing. Allele origin: germline. Affected: yes.
Comment: This variant is considered likely benign or benign based on one or more of the following criteria: it is a conservative change, it occurs at a poorly conserved position in the protein, it is predicted to be benign by multiple in silico algorithms, and/or has population frequency not consistent with disease.

Breakthrough Genomics
Classification: Likely benign. Review status: criteria provided, single submitter. Criteria: ACMG Guidelines, 2015. Collection method: not provided. Allele origin: germline. Inheritance: Autosomal recessive inheritance. Affected: yes.